The following is an entry in ClinVar:

NM_000427.3(LORICRIN):c.399G>C (p.Gly133=)

Gene: LORICRIN (loricrin cornified envelope precursor protein; plus strand). Cytogenetic location: 1q21.3.
Variant type: single nucleotide variant.
Coding change: c.399G>C on transcript NM_000427.3 (MANE Select); coding-DNA position 399, G replaced by C.
Protein change: p.Gly133=; no amino-acid change (glycine 133 retained).
Molecular consequence: synonymous variant.
Genome position (GRCh38, 1-based): chr1:153,261,348, G>C. VCF-style: chr1-153261348-G-C. GRCh37 (hg19) VCF-style: chr1-153233824-G-C.
Identifiers: ClinVar variation 4084147 (VCV004084147.8).

ClinVar aggregate classification (germline): Likely benign (1 of 4 stars; one submission).

Submission:

CeGaT Center for Human Genetics Tuebingen
Classification: Likely benign. Last evaluated: 2025-07-01. Review status: criteria provided, single submitter. Criteria: CeGaT Center For Human Genetics Tuebingen Variant Classification Criteria Version 2. Collection method: clinical testing. Allele origin: germline. Affected: yes. Observed: 1 variant allele.
Comment: LORICRIN: BP4, BP7